The following is an entry in ClinVar:

NM_003978.5(PSTPIP1):c.787G>A (p.Ala263Thr)

Gene: PSTPIP1 (proline-serine-threonine phosphatase interacting protein 1; plus strand). Cytogenetic location: 15q24.3.
Variant type: single nucleotide variant.
Coding change: c.787G>A on transcript NM_003978.5 (MANE Select); coding-DNA position 787, G replaced by A.
Protein change: p.Ala263Thr; replaces alanine 263 with threonine.
Molecular consequence: missense variant.
Genome position (GRCh38, 1-based): chr15:77,032,343, G>A. VCF-style: chr15-77032343-G-A. GRCh37 (hg19) VCF-style: chr15-77324684-G-A.
Other names: c.787G>A, p.Ala263Thr (NM_001321135.2, NM_001411086.1); c.760G>A, p.Ala254Thr (NM_001321136.2); c.982G>A, p.Ala328Thr (NM_001321137.1); short protein forms A254T, A328T, A263T.
Identifiers: ClinVar variation 2789117 (VCV002789117.3), dbSNP rs1015646449, ClinGen allele CA273759889.
Genomic context (GRCh38, chr15:77,032,343, plus strand): 5'-TCTTTCCTGCCCCAGCTCTACGAGGAAGTGCGGCTGACGCTGGAAGGCTGCAGCATAGAC[G>A]CCGACATCGACAGTTTCATCCAGGCCAAGAGCACGGGCACAGAGCCCCCCGGTGAGGTCC-3'
Protein context (NP_003969.2, residues 253-273): RLTLEGCSID[Ala263Thr]DIDSFIQAKS

ClinVar aggregate classification (germline): Uncertain significance (1 of 4 stars; one submission).

Conditions:
Pyogenic arthritis-pyoderma gangrenosum-acne syndrome (PAPA). Also called: PAPA SYNDROME; FAMILIAL RECURRENT ARTHRITIS. Identifiers: Orphanet 69126, MedGen C1858361, MONDO:0011462, OMIM 604416.

Allele frequency attached by ClinVar (database versions not stated): gnomAD exomes below 0.00001; gnomAD 0.00001; TOPMed 0.00001.

Submission:

Labcorp Genetics (formerly Invitae), Labcorp
Classification: Uncertain significance for Pyogenic arthritis-pyoderma gangrenosum-acne syndrome. Last evaluated: 2023-05-12. Review status: criteria provided, single submitter. Criteria: Invitae Variant Classification Sherloc (09022015). Collection method: clinical testing. Allele origin: germline.
Comment: In summary, the available evidence is currently insufficient to determine the role of this variant in disease. Therefore, it has been classified as a Variant of Uncertain Significance. Advanced modeling of protein sequence and biophysical properties (such as structural, functional, and spatial information, amino acid conservation, physicochemical variation, residue mobility, and thermodynamic stability) performed at Invitae indicates that this missense variant is not expected to disrupt PSTPIP1 protein function. This variant has not been reported in the literature in individuals affected with PSTPIP1-related conditions. This variant is not present in population databases (gnomAD no frequency). This sequence change replaces alanine, which is neutral and non-polar, with threonine, which is neutral and polar, at codon 263 of the PSTPIP1 protein (p.Ala263Thr).